The following is an entry in ClinVar:

NM_000090.4(COL3A1):c.3272G>A (p.Arg1091His)

Gene: COL3A1 (collagen type III alpha 1 chain; plus strand). Cytogenetic location: 2q32.2.
Variant type: single nucleotide variant.
Coding change: c.3272G>A on transcript NM_000090.4 (MANE Select); coding-DNA position 3272, G replaced by A.
Protein change: p.Arg1091His; replaces arginine 1091 with histidine.
Molecular consequence: missense variant.
Genome position (GRCh38, 1-based): chr2:189,007,516, G>A. VCF-style: chr2-189007516-G-A. GRCh37 (hg19) VCF-style: chr2-189872242-G-A.
Other names: short protein forms R1091H.
Identifiers: ClinVar variation 2775144 (VCV002775144.6), dbSNP rs757244529, ClinGen allele CA075994.
Genomic context (GRCh38, chr2:189,007,516, plus strand): 5'-ATGTATGTGTGTATATGACTTCAATTCAAAATATGTTTCTAAAGGGTCCTCAAGGCCCAC[G>A]TGGTGACAAAGGTGAAACAGGTGAACGTGGAGCTGCTGGCATCAAAGGACATCGAGGATT-3'
Protein context (NP_000081.2, residues 1081-1101): SRGAPGPQGP[Arg1091His]GDKGETGERG

ClinVar aggregate classification (germline): Uncertain significance. Review status: criteria provided, multiple submitters, no conflicts (2 of 4 stars). 3 submissions from 3 submitters: Uncertain significance (3). Last evaluated 2026-04-21.

Conditions:
Familial thoracic aortic aneurysm and aortic dissection (TAAD). Also called: Thoracic aortic aneurysms and dissections. Identifiers: Orphanet 91387, MedGen C4707243, MONDO:0019625.
Ehlers-Danlos syndrome, type 4 (EDSVASC). Also called: Ehlers-Danlos Syndrome Type IV; Ehlers-Danlos syndrome vascular type; Ehlers Danlos syndrome, ecchymotic type; Ehlers Danlos syndrome, arterial type; Ehlers Danlos syndrome, Sack-Barabas type. Identifiers: Orphanet 286, MedGen C0268338, MONDO:0017314, OMIM 130050.

Allele frequency attached by ClinVar (database versions not stated): ExAC 0.00001; gnomAD exomes 0.00001.
gnomAD v4.1: 10 of 1,613,500 alleles (0.00062%); highest among the groups gnomAD compares: Admixed American, 0.0067%; no homozygotes.

Submissions (3):

Women's Health and Genetics/Laboratory Corporation of America, LabCorp
Classification: Uncertain significance. Last evaluated: 2026-04-21. Review status: criteria provided, single submitter. Criteria: LabCorp Variant Classification Summary - May 2015. Collection method: clinical testing. Allele origin: germline.
Comment: Variant summary: COL3A1 c.3272G>A (p.Arg1091His) results in a non-conservative amino acid change in the encoded protein sequence. Algorithms developed to predict the effect of missense changes on protein structure and function all suggest that this variant is likely to be disruptive. The variant allele was found at a frequency of 1.2e-05 in 250520 control chromosomes. The available data on variant occurrences in the general population are insufficient to allow any conclusion about variant significance. To our knowledge, no occurrence of c.3272G>A in individuals affected with COL3A1-related conditions and no experimental evidence demonstrating its impact on protein function have been reported. ClinVar contains an entry for this variant (Variation ID: 2775144). Based on the evidence outlined above, the variant was classified as uncertain significance.

Color Diagnostics, LLC DBA Color Health
Classification: Uncertain significance for Familial thoracic aortic aneurysm and aortic dissection. Last evaluated: 2025-07-07. Review status: criteria provided, single submitter. Criteria: ACMG Guidelines, 2015. Collection method: clinical testing. Allele origin: germline.
Comment: This missense variant replaces arginine with histidine at codon 1091 of the COL3A1 protein. Computational prediction suggests that this variant may have deleterious impact on protein structure and function. To our knowledge, functional studies have not been reported for this variant. This variant has not been reported in individuals affected with COL3A1-related disorders in the literature. This variant has been identified in 3/250520 chromosomes in the general population by the Genome Aggregation Database (gnomAD). The available evidence is insufficient to determine the role of this variant in disease conclusively. Therefore, this variant is classified as a Variant of Uncertain Significance.

All of Us Research Program, National Institutes of Health
Classification: Uncertain significance for Ehlers-Danlos syndrome, type 4. Last evaluated: 2024-09-23. Review status: criteria provided, single submitter. Criteria: ACMG Guidelines, 2015. Collection method: clinical testing. Allele origin: germline. Inheritance: Autosomal dominant inheritance. Observed: 3 variant alleles, 3 heterozygotes.
Comment: This study involves interpretation of variants in research participants for the purpose of population health screening. Participant phenotype was not available at the time of variant classification. Additional details can be found in publication PMID: 35346344, PMCID: PMC8962531